The following is an entry in ClinVar:

ClinVar aggregate classification (germline): Likely pathogenic (1 of 4 stars; one submission).

Conditions:
Curry-Hall syndrome (WAD). Also called: WEYERS ACRODENTAL DYSOSTOSIS. Identifiers: Orphanet 952, MedGen C0457013, MONDO:0008673, OMIM 193530.
Ellis-van Creveld syndrome (EVC). Also called: EVC-Related Ellis-van Creveld Syndrome; EVC2-Related Ellis-van Creveld Syndrome; MESOECTODERMAL DYSPLASIA; Chondroectodermal dysplasia. Identifiers: Orphanet 289, MedGen C0013903, MONDO:0009162, OMIM 225500.

Allele frequency attached by ClinVar (database versions not stated): gnomAD exomes 0.00001.
gnomAD v4.1: 8 of 1,614,178 alleles (0.0005%); highest among the groups gnomAD compares: Non-Finnish European, 0.00068%; no homozygotes.

Submission:

Labcorp Genetics (formerly Invitae), Labcorp
Classification: Likely pathogenic for Curry-Hall syndrome; Ellis-van Creveld syndrome. Last evaluated: 2023-06-28. Review status: criteria provided, single submitter. Criteria: Invitae Variant Classification Sherloc (09022015). Collection method: clinical testing. Allele origin: germline.
Comment: In summary, the currently available evidence indicates that the variant is pathogenic, but additional data are needed to prove that conclusively. Therefore, this variant has been classified as Likely Pathogenic. Algorithms developed to predict the effect of sequence changes on RNA splicing suggest that this variant may disrupt the consensus splice site. This variant has not been reported in the literature in individuals affected with EVC-related conditions. This variant is not present in population databases (gnomAD no frequency). This sequence change affects a donor splice site in intron 2 of the EVC gene. It is expected to disrupt RNA splicing. Variants that disrupt the donor or acceptor splice site typically lead to a loss of protein function (PMID: 16199547), and loss-of-function variants in EVC are known to be pathogenic (PMID: 23220543).

Literature cited by the submitters: PubMed 16199547; PubMed 23220543.

NM_153717.3(EVC):c.300+1G>T

Gene: EVC (EvC ciliary complex subunit 1; plus strand). Cytogenetic location: 4p16.2.
Variant type: single nucleotide variant.
Coding change: c.300+1G>T on transcript NM_153717.3 (MANE Select); the canonical splice donor site of the intron after coding-DNA position 300, G replaced by T.
Molecular consequence: splice donor variant.
Genome position (GRCh38, 1-based): chr4:5,719,374, G>T. VCF-style: chr4-5719374-G-T. GRCh37 (hg19) VCF-style: chr4-5721101-G-T.
Other names: c.300+1G>T (NM_001306090.2, NM_001306092.2).
Identifiers: ClinVar variation 2949409 (VCV002949409.3), dbSNP rs2474376997, ClinGen allele CA356158433.